The following is an entry in ClinVar:

ClinVar aggregate classification (germline): Benign. Review status: criteria provided, multiple submitters, no conflicts (2 of 4 stars). 7 submissions from 7 submitters: Benign (7). Last evaluated 2026-02-04.

Conditions:
Renal tubular dysgenesis. Also called: Renotubular dysgenesis. Identifiers: Orphanet 3033, MedGen C0266313, MONDO:0017609, HP:0008660.

Allele frequency attached by ClinVar (database versions not stated): ESP Exome Variant Server 0.41619; gnomAD 0.45325; TOPMed 0.46187; gnomAD exomes 0.48054 and 0.50129; ExAC 0.49958; 1000 Genomes Project 0.52995.

Submissions (7):

Labcorp Genetics (formerly Invitae), Labcorp
Classification: Benign. Last evaluated: 2026-02-04. Review status: criteria provided, single submitter. Criteria: Invitae Variant Classification Sherloc (09022015). Collection method: clinical testing. Allele origin: germline.

Blueprint Genetics
Classification: Benign. Last evaluated: 2024-11-28. Review status: criteria provided, single submitter. Criteria: ACMG Guidelines, 2015. Collection method: clinical testing. Allele origin: germline.

Genome-Nilou Lab
Classification: Benign for Renal tubular dysgenesis of genetic origin. Last evaluated: 2021-07-14. Review status: criteria provided, single submitter. Criteria: ACMG Guidelines, 2015. Collection method: clinical testing. Allele origin: germline. Affected: no.

GeneDx
Classification: Benign. Last evaluated: 2018-11-10. Review status: criteria provided, single submitter. Criteria: GeneDx Variant Classification Process June 2021. Collection method: clinical testing. Allele origin: germline. Affected: yes.

Illumina Laboratory Services, Illumina
Classification: Benign for Renal tubular dysgenesis of genetic origin. Last evaluated: 2018-01-13. Review status: criteria provided, single submitter. Criteria: ICSL Variant Classification Criteria 13 December 2019. Collection method: clinical testing. Allele origin: germline.
Comment: This variant was observed in the ICSL laboratory as part of a predisposition screen in an ostensibly healthy population. It had not been previously curated by ICSL or reported in the Human Gene Mutation Database (HGMD: prior to June 1st, 2018), and was therefore a candidate for classification through an automated scoring system. Utilizing variant allele frequency, disease prevalence and penetrance estimates, and inheritance mode, an automated score was calculated to assess if this variant is too frequent to cause the disease. Based on the score and internal cut-off values, a variant classified as benign is not then subjected to further curation. The score for this variant resulted in a classification of benign for this disease.

Breakthrough Genomics
Classification: Benign. Review status: criteria provided, single submitter. Criteria: ACMG Guidelines, 2015. Collection method: not provided. Allele origin: germline. Inheritance: Autosomal recessive inheritance. Affected: yes.

PreventionGenetics, part of Exact Sciences
Classification: Benign. Review status: criteria provided, single submitter. Criteria: ACMG Guidelines, 2015. Collection method: clinical testing. Allele origin: germline.

NM_000789.4(ACE):c.2306-11A>C

Gene: ACE (angiotensin I converting enzyme; plus strand). Cytogenetic location: 17q23.3.
Variant type: single nucleotide variant.
Coding change: c.2306-11A>C on transcript NM_000789.4 (MANE Select); 11 bases into the intron before coding-DNA position 2306, A replaced by C.
Molecular consequence: intron variant.
Genome position (GRCh38, 1-based): chr17:63,488,637, A>C. VCF-style: chr17-63488637-A-C. GRCh37 (hg19) VCF-style: chr17-61565998-A-C.
Other names: c.584-11A>C (NM_152830.3, NM_001178057.2).
Identifiers: ClinVar variation 256801 (VCV000256801.21), dbSNP rs4342, ClinGen allele CA8700051.
Genomic context (GRCh38, chr17:63,488,637, plus strand): 5'-ATTCTCTGAGCTCCCCTTACAAGCAGAGGTGAGCTAAGGGCTGGAGCTCAAGGCATTCAA[A>C]CCCCTACCAGATCTGACGAATGTGATGGCCACGTCCCGGAAATATGAAGACCTGTTATGG-3'